The following is an entry in ClinVar:

NM_018062.4(FANCL):c.246C>G (p.Ser82Arg)

Gene: FANCL (FA complementation group L; minus strand). Cytogenetic location: 2p16.1.
Variant type: single nucleotide variant.
Coding change: c.246C>G on transcript NM_018062.4 (MANE Select); coding-DNA position 246, C replaced by G.
Protein change: p.Ser82Arg; replaces serine 82 with arginine.
Molecular consequence: missense variant.
Genome position (GRCh38, 1-based): chr2:58,226,755, G>C on the plus strand (C>G on the coding strand, the complement: FANCL is on the minus strand). VCF-style: chr2-58226755-G-C. GRCh37 (hg19) VCF-style: chr2-58453890-G-C.
Other names: c.246C>G, p.Ser82Arg (NM_001114636.2, NM_001374615.1, NM_001410792.1); short protein forms S82R.
Identifiers: ClinVar variation 648626 (VCV000648626.7), dbSNP rs374675609, ClinGen allele CA1670727.
Genomic context (GRCh38, chr2:58,226,755, plus strand): 5'-GGTAACAGTGTCAGAAAAAAAAAAAATTCTTACCAAAAGCATCTTCAACTCCATCATAAA[G>C]CTCATTAGATCAGGAGAGTGCTGCATTCTCTAGATCAAAATATTTCCAATTAATTTCATT-3'
Protein context (NP_060532.2, residues 72-92): QRMQHSPDLM[Ser82Arg]FMMELKMLLE

ClinVar aggregate classification (germline): Uncertain significance. Review status: criteria provided, multiple submitters, no conflicts (2 of 4 stars). 2 submissions from 2 submitters: Uncertain significance (2). Last evaluated 2024-06-26.

Conditions:
Fanconi anemia complementation group L (FANCL). Also called: FANCL-Related Fanconi Anemia. Identifiers: Orphanet 84, MedGen C3469528, MONDO:0013566, OMIM 614083.
Fanconi anemia (FA). Also called: Fanconi's anemia. Identifiers: Orphanet 84, MedGen C0015625, MeSH D005199, MONDO:0019391.

Allele frequency attached by ClinVar (database versions not stated): gnomAD exomes 0.00001 and 0.00002; ExAC 0.00005; gnomAD 0.00009 and 0.00010; TOPMed 0.00013; 1000 Genomes Project 30x 0.00016; 1000 Genomes Project 0.00020; ESP Exome Variant Server 0.00023.
gnomAD v4.1: 34 of 1,612,256 alleles (0.0021%); highest among the groups gnomAD compares: African/African-American, 0.027%; no homozygotes.

Submissions (2):

Labcorp Genetics (formerly Invitae), Labcorp
Classification: Uncertain significance for Fanconi anemia. Last evaluated: 2024-06-26. Review status: criteria provided, single submitter. Criteria: Invitae Variant Classification Sherloc (09022015). Collection method: clinical testing. Allele origin: germline.
Comment: This sequence change replaces serine, which is neutral and polar, with arginine, which is basic and polar, at codon 82 of the FANCL protein (p.Ser82Arg). This variant is present in population databases (rs374675609, gnomAD 0.04%). This missense change has been observed in individual(s) with bone marrow failure (PMID: 30995915). ClinVar contains an entry for this variant (Variation ID: 648626). Advanced modeling of protein sequence and biophysical properties (such as structural, functional, and spatial information, amino acid conservation, physicochemical variation, residue mobility, and thermodynamic stability) has been performed at Invitae for this missense variant, however the output from this modeling did not meet the statistical confidence thresholds required to predict the impact of this variant on FANCL protein function. In summary, the available evidence is currently insufficient to determine the role of this variant in disease. Therefore, it has been classified as a Variant of Uncertain Significance.

Fulgent Genetics
Classification: Uncertain significance for Fanconi anemia complementation group L. Last evaluated: 2024-03-11. Review status: criteria provided, single submitter. Criteria: ACMG Guidelines, 2015. Collection method: clinical testing. Allele origin: germline.

Literature cited by the submitters: PubMed 30995915 (cited by Labcorp Genetics (formerly Invitae), Labcorp).